The following is an entry in ClinVar:

NM_153704.6(TMEM67):c.317G>A (p.Gly106Asp)

Gene: TMEM67 (transmembrane protein 67; plus strand). Cytogenetic location: 8q22.1.
Variant type: single nucleotide variant.
Coding change: c.317G>A on transcript NM_153704.6 (MANE Select); coding-DNA position 317, G replaced by A.
Protein change: p.Gly106Asp; replaces glycine 106 with aspartic acid.
Molecular consequence: missense variant. On other transcripts: 5 prime UTR variant (1), non-coding transcript variant (1).
Genome position (GRCh38, 1-based): chr8:93,758,487, G>A. VCF-style: chr8-93758487-G-A. GRCh37 (hg19) VCF-style: chr8-94770715-G-A.
Other names: c.-61G>A (NM_001142301.1); short protein forms G106D.
Identifiers: ClinVar variation 1503098 (VCV001503098.8), dbSNP rs1812680811, ClinGen allele CA371685740.

ClinVar aggregate classification (germline): Uncertain significance (1 of 4 stars; one submission).

Conditions:
Meckel-Gruber syndrome. Also called: DYSENCEPHALIA SPLANCHNOCYSTICA; GRUBER SYNDROME; Dysencephalia splachnocystica. Identifiers: Orphanet 564, MedGen C0265215, MONDO:0018921.
Joubert syndrome. Also called: CEREBELLOPARENCHYMAL DISORDER IV; JOUBERT-BOLTSHAUSER SYNDROME; Familial aplasia of the vermis. Identifiers: Orphanet 475, MedGen C5979921, MONDO:0018772.

Submission:

Labcorp Genetics (formerly Invitae), Labcorp
Classification: Uncertain significance for Joubert syndrome; Meckel-Gruber syndrome. Last evaluated: 2022-06-13. Review status: criteria provided, single submitter. Criteria: Invitae Variant Classification Sherloc (09022015). Collection method: clinical testing. Allele origin: germline.
Comment: In summary, the available evidence is currently insufficient to determine the role of this variant in disease. Therefore, it has been classified as a Variant of Uncertain Significance. Advanced modeling of protein sequence and biophysical properties (such as structural, functional, and spatial information, amino acid conservation, physicochemical variation, residue mobility, and thermodynamic stability) performed at Invitae indicates that this missense variant is expected to disrupt TMEM67 protein function. This variant has not been reported in the literature in individuals affected with TMEM67-related conditions. This variant is not present in population databases (gnomAD no frequency). This sequence change replaces glycine, which is neutral and non-polar, with aspartic acid, which is acidic and polar, at codon 106 of the TMEM67 protein (p.Gly106Asp).